The following is an entry in ClinVar:

NM_000038.6(APC):c.1442T>C (p.Val481Ala)

Gene: APC (APC regulator of Wnt signaling pathway; plus strand). Cytogenetic location: 5q22.2.
Variant type: single nucleotide variant.
Coding change: c.1442T>C on transcript NM_000038.6 (MANE Select); coding-DNA position 1442, T replaced by C.
Protein change: p.Val481Ala; replaces valine 481 with alanine.
Molecular consequence: missense variant.
Genome position (GRCh38, 1-based): chr5:112,827,141, T>C. VCF-style: chr5-112827141-T-C. GRCh37 (hg19) VCF-style: chr5-112162838-T-C.
Other names: c.1442T>C, p.Val481Ala (NM_001127510.3, NM_001354895.2); c.1388T>C, p.Val463Ala (NM_001127511.3); c.1496T>C, p.Val499Ala (NM_001354896.2); c.1472T>C, p.Val491Ala (NM_001354897.2); c.1367T>C, p.Val456Ala (NM_001354898.2); c.1358T>C, p.Val453Ala (NM_001354899.2); c.1319T>C, p.Val440Ala (NM_001354900.2); c.1265T>C, p.Val422Ala (NM_001354901.2); and 5 more; short protein forms V481A, V463A, V440A, V321A, V380A, V390A, V453A, V456A.
Identifiers: ClinVar variation 631321 (VCV000631321.13), dbSNP rs1561553667, ClinGen allele CA16024460.

ClinVar aggregate classification (germline): Uncertain significance. Review status: criteria provided, multiple submitters, no conflicts (2 of 4 stars). 3 submissions from 3 submitters: Uncertain significance (3). Last evaluated 2025-04-07.

Conditions:
Hereditary cancer-predisposing syndrome. Also called: Tumor predisposition; Neoplastic Syndromes, Hereditary; Hereditary neoplastic syndrome; Hereditary Cancer Syndrome. Identifiers: Orphanet 140162, MedGen C0027672, MeSH D009386, MONDO:0015356.
Familial adenomatous polyposis 1 (FAP1). Also called: POLYPOSIS, ADENOMATOUS INTESTINAL; FAMILIAL ADENOMATOUS POLYPOSIS 1, ATTENUATED. Identifiers: MedGen C2713442, MONDO:0021056, OMIM 175100. Disease mechanism: loss of function.

Allele frequency attached by ClinVar (database versions not stated): TOPMed below 0.00001.

Submissions (3):

Labcorp Genetics (formerly Invitae), Labcorp
Classification: Uncertain significance for Familial adenomatous polyposis 1. Last evaluated: 2025-04-07. Review status: criteria provided, single submitter. Criteria: Invitae Variant Classification Sherloc (09022015). Collection method: clinical testing. Allele origin: germline.
Comment: This sequence change replaces valine, which is neutral and non-polar, with alanine, which is neutral and non-polar, at codon 481 of the APC protein (p.Val481Ala). This variant is not present in population databases (gnomAD no frequency). This variant has not been reported in the literature in individuals affected with APC-related conditions. ClinVar contains an entry for this variant (Variation ID: 631321). Invitae Evidence Modeling of protein sequence and biophysical properties (such as structural, functional, and spatial information, amino acid conservation, physicochemical variation, residue mobility, and thermodynamic stability) indicates that this missense variant is not expected to disrupt APC protein function with a negative predictive value of 95%. In summary, the available evidence is currently insufficient to determine the role of this variant in disease. Therefore, it has been classified as a Variant of Uncertain Significance.

Ambry Genetics
Classification: Uncertain significance for Hereditary cancer-predisposing syndrome. Last evaluated: 2022-07-17. Review status: criteria provided, single submitter. Criteria: Ambry Variant Classification Scheme 2023. Collection method: clinical testing. Allele origin: germline.
Comment: The p.V481A variant (also known as c.1442T>C), located in coding exon 11 of the APC gene, results from a T to C substitution at nucleotide position 1442. The valine at codon 481 is replaced by alanine, an amino acid with similar properties. This amino acid position is highly conserved in available vertebrate species. In addition, in silico predictors for this gene do not accurately predict pathogenicity. Since supporting evidence is limited at this time, the clinical significance of this alteration remains unclear.

Color Diagnostics, LLC DBA Color Health
Classification: Uncertain significance for Hereditary cancer-predisposing syndrome. Last evaluated: 2019-02-09. Review status: criteria provided, single submitter. Criteria: ACMG Guidelines, 2015. Collection method: clinical testing. Allele origin: germline.